The following is an entry in ClinVar:

NM_020944.3(GBA2):c.1814G>A (p.Arg605His)

Gene: GBA2 (glucosylceramidase beta 2; minus strand). Cytogenetic location: 9p13.3.
Variant type: single nucleotide variant.
Coding change: c.1814G>A on transcript NM_020944.3 (MANE Select); coding-DNA position 1814, G replaced by A.
Protein change: p.Arg605His; replaces arginine 605 with histidine.
Molecular consequence: missense variant.
Genome position (GRCh38, 1-based): chr9:35,738,885, C>T on the plus strand (G>A on the coding strand, the complement: GBA2 is on the minus strand). VCF-style: chr9-35738885-C-T. GRCh37 (hg19) VCF-style: chr9-35738882-C-T.
Other names: c.1814G>A (NM_020944.2); c.1814G>A, p.Arg605His (NM_001330660.2); short protein forms R605H.
Identifiers: ClinVar variation 1448473 (VCV001448473.9), dbSNP rs563054828, ClinGen allele CA5050270.

ClinVar aggregate classification (germline): Uncertain significance. Review status: criteria provided, multiple submitters, no conflicts (2 of 4 stars). 2 submissions from 2 submitters: Uncertain significance (2). Last evaluated 2025-08-29.

Conditions:
Spastic paraplegia. Identifiers: MedGen C0037772, HP:0001258.
Inborn genetic diseases. Identifiers: MedGen C0950123, MeSH D030342.

Allele frequency attached by ClinVar (database versions not stated): gnomAD 0.00003 and 0.00005; gnomAD exomes 0.00003 and 0.00010; TOPMed 0.00004; ExAC 0.00007; 1000 Genomes Project 30x 0.00047; 1000 Genomes Project 0.00060.
gnomAD v4.1: 44 of 1,614,086 alleles (0.0027%); highest among the groups gnomAD compares: East Asian, 0.045%; 1 homozygote.

Submissions (2):

Ambry Genetics
Classification: Uncertain significance for Inborn genetic diseases. Last evaluated: 2025-08-29. Review status: criteria provided, single submitter. Criteria: Ambry Variant Classification Scheme 2023. Collection method: clinical testing. Allele origin: germline.

Labcorp Genetics (formerly Invitae), Labcorp
Classification: Uncertain significance for Spastic paraplegia. Last evaluated: 2022-07-05. Review status: criteria provided, single submitter. Criteria: Invitae Variant Classification Sherloc (09022015). Collection method: clinical testing. Allele origin: germline.
Comment: This sequence change replaces arginine, which is basic and polar, with histidine, which is basic and polar, at codon 605 of the GBA2 protein (p.Arg605His). This variant is present in population databases (rs563054828, gnomAD 0.09%). This variant has not been reported in the literature in individuals affected with GBA2-related conditions. ClinVar contains an entry for this variant (Variation ID: 1448473). Algorithms developed to predict the effect of missense changes on protein structure and function are either unavailable or do not agree on the potential impact of this missense change (SIFT: "Tolerated"; PolyPhen-2: "Possibly Damaging"; Align-GVGD: "Class C0"). In summary, the available evidence is currently insufficient to determine the role of this variant in disease. Therefore, it has been classified as a Variant of Uncertain Significance.